The following is an entry in ClinVar:

NM_001145809.2(MYH14):c.5076C>A (p.Ala1692=)

Gene: MYH14 (myosin heavy chain 14; plus strand). Cytogenetic location: 19q13.33.
Variant type: single nucleotide variant.
Coding change: c.5076C>A on transcript NM_001145809.2 (MANE Select); coding-DNA position 5076, C replaced by A.
Protein change: p.Ala1692=; no amino-acid change (alanine 1692 retained).
Molecular consequence: synonymous variant.
Genome position (GRCh38, 1-based): chr19:50,290,997, C>A. VCF-style: chr19-50290997-C-A. GRCh37 (hg19) VCF-style: chr19-50794254-C-A.
Other names: c.4977C>A, p.Ala1659= (NM_001077186.2); c.4953C>A, p.Ala1651= (NM_024729.4).
Identifiers: ClinVar variation 164201 (VCV000164201.4), dbSNP rs727503229, ClinGen allele CA176919.
Genomic context (GRCh38, chr19:50,290,997, plus strand): 5'-GGCCGTGGCTGCCCGCAAGAAGCTGGAGGGAGAGCTGGAGGAGCTGAAGGCTCAGATGGC[C>A]TCTGCCGGCCAGGGCAAGGAGGAGGCGGTGAAGCAGCTTCGCAAGATGCAGGTAAGAGCC-3'
Protein context (NP_001139281.1, residues 1682-1702): GELEELKAQM[Ala1692=]SAGQGKEEAV

ClinVar aggregate classification (germline): Likely benign (1 of 4 stars; one submission).

gnomAD v4.1: 6 of 1,611,888 alleles (0.00037%); highest among the groups gnomAD compares: South Asian, 0.0011%; no homozygotes.

Submission:

Laboratory for Molecular Medicine, Mass General Brigham Personalized Medicine
Classification: Likely benign. Last evaluated: 2014-02-04. Review status: criteria provided, single submitter. Criteria: LMM Criteria. Collection method: clinical testing. Allele origin: germline. Observed: 1 variant allele.
Comment: Ala1692Ala in exon 36 of MYH14: This variant is not expected to have clinical si gnificance because it does not alter an amino acid residue and is not located wi thin the splice consensus sequence.